The following is an entry in ClinVar:

NM_198123.2(CSMD3):c.10184C>G (p.Pro3395Arg)

Gene: CSMD3 (CUB and Sushi multiple domains 3; minus strand). Cytogenetic location: 8q23.3.
Variant type: single nucleotide variant.
Coding change: c.10184C>G on transcript NM_198123.2 (MANE Select); coding-DNA position 10184, C replaced by G.
Protein change: p.Pro3395Arg; replaces proline 3395 with arginine.
Molecular consequence: missense variant.
Genome position (GRCh38, 1-based): chr8:112,247,058, G>C on the plus strand (C>G on the coding strand, the complement: CSMD3 is on the minus strand). VCF-style: chr8-112247058-G-C. GRCh37 (hg19) VCF-style: chr8-113259287-G-C.
Other names: c.9584C>G, p.Pro3195Arg (NM_001363185.1); c.9677C>G, p.Pro3226Arg (NM_052900.3); c.10064C>G, p.Pro3355Arg (NM_198124.2); short protein forms P3395R, P3195R, P3226R, P3355R.
Identifiers: ClinVar variation 4996155 (VCV004996155.1).

ClinVar aggregate classification (germline): Uncertain significance (1 of 4 stars; one submission).

Conditions:
CSMD3-related disorder. Also called: CSMD3-related condition.

Submission:

PreventionGenetics, part of Exact Sciences
Classification: Uncertain significance for CSMD3-related condition. Last evaluated: 2025-09-02. Review status: criteria provided, single submitter. Criteria: ACMG Guidelines, 2015. Collection method: clinical testing. Allele origin: germline.
Comment: The CSMD3 c.10184C>G variant is predicted to result in the amino acid substitution p.Pro3395Arg. To our knowledge, this variant has not been reported in the literature or in a large population database (gnomAD), indicating this variant is rare. At this time, the clinical significance of this variant is uncertain due to the absence of conclusive functional and genetic evidence.